The following is an entry in ClinVar:

NM_001792.5(CDH2):c.1430C>T (p.Pro477Leu)

Gene: CDH2 (cadherin 2; minus strand). Cytogenetic location: 18q12.1.
Variant type: single nucleotide variant.
Coding change: c.1430C>T on transcript NM_001792.5 (MANE Select); coding-DNA position 1430, C replaced by T.
Protein change: p.Pro477Leu; replaces proline 477 with leucine.
Molecular consequence: missense variant.
Genome position (GRCh38, 1-based): chr18:27,990,265, G>A on the plus strand (C>T on the coding strand, the complement: CDH2 is on the minus strand). VCF-style: chr18-27990265-G-A. GRCh37 (hg19) VCF-style: chr18-25570229-G-A.
Other names: c.1337C>T, p.Pro446Leu (NM_001308176.2); short protein forms P446L, P477L.
Identifiers: ClinVar variation 1772493 (VCV001772493.4), dbSNP rs182701313, ClinGen allele CA8923397.

ClinVar aggregate classification (germline): Likely benign. Review status: criteria provided, multiple submitters, no conflicts (2 of 4 stars). 2 submissions from 2 submitters: Likely benign (2). Last evaluated 2025-08-05.

Conditions:
Inborn genetic diseases. Identifiers: MedGen C0950123, MeSH D030342.

Allele frequency attached by ClinVar (database versions not stated): ExAC 0.00006; TOPMed 0.00022; gnomAD 0.00023; 1000 Genomes Project 30x 0.00047; 1000 Genomes Project 0.00060.
gnomAD v4.1: 54 of 1,613,904 alleles (0.0033%); highest among the groups gnomAD compares: African/African-American, 0.053%; no homozygotes.

Submissions (2):

Ambry Genetics
Classification: Likely benign for Inborn genetic diseases. Last evaluated: 2025-08-05. Review status: criteria provided, single submitter. Criteria: Ambry Variant Classification Scheme 2023. Collection method: clinical testing. Allele origin: germline.

Molecular Diagnostic Laboratory for Inherited Cardiovascular Disease, Montreal Heart Institute
Classification: Likely benign. Last evaluated: 2025-04-09. Review status: criteria provided, single submitter. Criteria: ACMG Guidelines, 2015. Collection method: clinical testing. Allele origin: germline. Affected: no.
Comment: BS1;BP4